The following is an entry in ClinVar:

ClinVar aggregate classification (germline): Conflicting classifications of pathogenicity. Review status: criteria provided, conflicting classifications (1 of 4 stars). 7 submissions from 7 submitters: Uncertain significance (6); Likely benign (1). Last evaluated 2025-02-10.

Conditions:
Hereditary breast ovarian cancer syndrome. Also called: Hereditary breast and ovarian cancer syndrome (HBOC); Hereditary breast and ovarian cancer syndrome; Breast and ovarian cancer; Hereditary breast and/or ovarian cancer syndrome; Hereditary breast and ovarian cancer; BRCA1- and BRCA2-Associated Hereditary Breast and Ovarian Cancer. Identifiers: Orphanet 145, MedGen C0677776, MeSH D061325, MONDO:0003582. Disease mechanism: loss of function.
BRCA2-related disorder. Also called: BRCA2-related condition; BRCA2-related disorders. Identifiers: MedGen CN239275.
Hereditary cancer-predisposing syndrome. Also called: Neoplastic Syndromes, Hereditary; Hereditary Cancer Syndrome; Hereditary neoplastic syndrome; Tumor predisposition. Identifiers: Orphanet 140162, MedGen C0027672, MeSH D009386, MONDO:0015356.

Allele frequency attached by ClinVar (database versions not stated): gnomAD exomes below 0.00001 and 0.00001; ExAC 0.00001; gnomAD 0.00001; TOPMed 0.00001.
gnomAD v4.1: 2 of 1,613,770 alleles (0.00012%); highest among the groups gnomAD compares: East Asian, 0.0045%; no homozygotes.

Submissions (7):

Ambry Genetics
Classification: Uncertain significance for Hereditary cancer-predisposing syndrome. Last evaluated: 2025-02-10. Review status: criteria provided, single submitter. Criteria: Ambry Variant Classification Scheme 2023. Collection method: clinical testing. Allele origin: germline.
Comment: The p.G1523R variant (also known as c.4567G>C), located in coding exon 10 of the BRCA2 gene, results from a G to C substitution at nucleotide position 4567. The glycine at codon 1523 is replaced by arginine, an amino acid with dissimilar properties. This amino acid position is not well conserved in available vertebrate species. In addition, the in silico prediction for this alteration is inconclusive. Based on the available evidence, the clinical significance of this variant remains unclear.

Labcorp Genetics (formerly Invitae), Labcorp
Classification: Uncertain significance for Hereditary breast ovarian cancer syndrome. Last evaluated: 2024-04-29. Review status: criteria provided, single submitter. Criteria: Invitae Variant Classification Sherloc (09022015). Collection method: clinical testing. Allele origin: germline.
Comment: This sequence change replaces glycine, which is neutral and non-polar, with arginine, which is basic and polar, at codon 1523 of the BRCA2 protein (p.Gly1523Arg). This variant is present in population databases (rs587781418, gnomAD 0.01%). This missense change has been observed in individual(s) with nasopharyngeal carcinoma (PMID: 32988965). ClinVar contains an entry for this variant (Variation ID: 462345). Advanced modeling of protein sequence and biophysical properties (such as structural, functional, and spatial information, amino acid conservation, physicochemical variation, residue mobility, and thermodynamic stability) performed at Invitae indicates that this missense variant is not expected to disrupt BRCA2 protein function with a negative predictive value of 95%. In summary, the available evidence is currently insufficient to determine the role of this variant in disease. Therefore, it has been classified as a Variant of Uncertain Significance.

University of Washington Department of Laboratory Medicine, University of Washington
Classification: Likely benign for Hereditary cancer-predisposing syndrome. Last evaluated: 2023-03-23. Review status: criteria provided, single submitter. Criteria: Dines et al. (Genet Med. 2020). Collection method: curation. Allele origin: germline.
Comment: Missense variant in a coldspot region where missense variants are very unlikely to be pathogenic (PMID:31911673).

BRCA2 exon 11 coldspot. Reclassification based on statistical prior probability.

Quest Diagnostics Nichols Institute San Juan Capistrano
Classification: Uncertain significance. Last evaluated: 2022-09-26. Review status: criteria provided, single submitter. Criteria: Quest Diagnostics criteria. Collection method: clinical testing. Allele origin: unknown.
Comment: The frequency of this variant in the general population, 0.000008 (2/250518 chromosomes), is uninformative in assessment of its pathogenicity. In the published literature, the variant has been reported in an individual with nasopharyngeal cancer (PMID: 32988965 (2020)). In a large breast cancer association study, the variant was found in one unaffected individual (PMID: 33471991 (2021)). In addition, a study using a computer simulation predicted this variant to be deleterious (PMID: 35325018 (2022)). Analysis of this variant using bioinformatics tools for the prediction of the effect of amino acid changes on protein structure and function yielded conflicting predictions that this variant is benign or damaging. Based on the available information, we are unable to determine the clinical significance of this variant.

Women's Health and Genetics/Laboratory Corporation of America, LabCorp
Classification: Uncertain significance. Last evaluated: 2022-04-14. Review status: criteria provided, single submitter. Criteria: LabCorp Variant Classification Summary - May 2015. Collection method: clinical testing. Allele origin: germline.
Comment: Variant summary: BRCA2 c.4567G>C (p.Gly1523Arg) results in a non-conservative amino acid change in the encoded protein sequence. Five of five in-silico tools predict a damaging effect of the variant on protein function. The variant allele was found at a frequency of 8e-06 in 250518 control chromosomes. The available data on variant occurrences in the general population are insufficient to allow any conclusion about variant significance. To our knowledge, no occurrence of c.4567G>C in individuals affected with Hereditary Breast and Ovarian Cancer and no experimental evidence demonstrating its impact on protein function have been reported. Three clinical diagnostic laboratories have submitted clinical-significance assessments for this variant to ClinVar after 2014 without evidence for independent evaluation. All laboratories classified the variant as uncertain significance. Based on the evidence outlined above, the variant was classified as uncertain significance.

Sema4
Classification: Uncertain significance for Hereditary cancer-predisposing syndrome. Last evaluated: 2022-01-06. Review status: criteria provided, single submitter. Criteria: Sema4 Curation Guidelines. Collection method: curation. Allele origin: germline.
Comment: The BRCA2 c.4567G>C (p.G1523R) variant has not been reported in individuals with BRCA2-related disease. It was observed in 2/18384 chromosomes of the East Asian subpopulation in the large and broad cohorts of the Genome Aggregation Database (PMID: 32461654). The variant has been reported in ClinVar (Variation ID 462345). Functional studies have not been performed, and in silico predictions of the variant's effect on protein function are inconclusive. The evidence is insufficient to meet ACMG/AMP criteria for classifying the variant as benign or pathogenic. Thus, the clinical significance of this variant is currently uncertain.

Color Diagnostics, LLC DBA Color Health
Classification: Uncertain significance for Hereditary cancer-predisposing syndrome. Last evaluated: 2019-02-14. Review status: criteria provided, single submitter. Criteria: ACMG Guidelines, 2015. Collection method: clinical testing. Allele origin: germline.

Literature cited by the submitters: PubMed 32988965 (cited by 3 submitters); PubMed 35325018 (cited by Quest Diagnostics Nichols Institute San Juan Capistrano); PubMed 33471991 (cited by Quest Diagnostics Nichols Institute San Juan Capistrano).

NM_000059.4(BRCA2):c.4567G>C (p.Gly1523Arg)

Gene: BRCA2 (BRCA2 DNA repair associated; plus strand). Cytogenetic location: 13q13.1.
Variant type: single nucleotide variant.
Coding change: c.4567G>C on transcript NM_000059.4 (MANE Select); coding-DNA position 4567, G replaced by C.
Protein change: p.Gly1523Arg; replaces glycine 1523 with arginine.
Molecular consequence: missense variant.
Genome position (GRCh38, 1-based): chr13:32,338,922, G>C. VCF-style: chr13-32338922-G-C. GRCh37 (hg19) VCF-style: chr13-32913059-G-C.
Other names: short protein forms G1523R.
Identifiers: ClinVar variation 462345 (VCV000462345.24), dbSNP rs587781418, ClinGen allele CA6940793.
Genomic context (GRCh38, chr13:32,338,922, plus strand): 5'-CTAGTGACCTTCCAGGGACAACCCGAACGTGATGAAAAGATCAAAGAACCTACTCTATTG[G>C]GTTTTCATACAGCTAGCGGGAAAAAAGTTAAAATTGCAAAGGAATCTTTGGACAAAGTGA-3'
Protein context (NP_000050.3, residues 1513-1533): DEKIKEPTLL[Gly1523Arg]FHTASGKKVK